The following is an entry in ClinVar:

NM_000444.6(PHEX):c.59G>A (p.Arg20Gln)

Gene: PHEX (phosphate regulating endopeptidase X-linked; plus strand). Cytogenetic location: Xp22.11.
Variant type: single nucleotide variant.
Coding change: c.59G>A on transcript NM_000444.6 (MANE Select); coding-DNA position 59, G replaced by A.
Protein change: p.Arg20Gln; replaces arginine 20 with glutamine.
Molecular consequence: missense variant.
Genome position (GRCh38, 1-based): chrX:22,033,064, G>A. VCF-style: chrX-22033064-G-A. GRCh37 (hg19) VCF-style: chrX-22051182-G-A.
Other names: c.59G>A, p.Arg20Gln (NM_001282754.2); short protein forms R20Q.
Identifiers: ClinVar variation 4687430 (VCV004687430.1).
Genomic context (GRCh38, chrX:22,033,064, plus strand): 5'-TGATGGAAGCAGAAACAGGGAGCAGCGTGGAGACTGGAAAGAAGGCCAACAGAGGCACTC[G>A]AATTGCCCTGGTCGTGTTTGTCGGTGGCACCCTAGTTCTGGGCACGATCCTCTTTCTAGG-3'
Protein context (NP_000435.3, residues 10-30): ETGKKANRGT[Arg20Gln]IALVVFVGGT

ClinVar aggregate classification (germline): Uncertain significance (1 of 4 stars; one submission).

gnomAD v4.1: 5 of 1,208,262 alleles (0.00041%); highest among the groups gnomAD compares: Admixed American, 0.0022%; no homozygotes.

Submission:

Women's Health and Genetics/Laboratory Corporation of America, LabCorp
Classification: Uncertain significance. Last evaluated: 2025-10-09. Review status: criteria provided, single submitter. Criteria: LabCorp Variant Classification Summary - May 2015. Collection method: clinical testing. Allele origin: germline.
Comment: Variant summary: PHEX c.59G>A (p.Arg20Gln) results in a conservative amino acid change in the encoded protein sequence. Algorithms developed to predict the effect of missense changes on protein structure and function all suggest that this variant is likely to be tolerated. The variant allele was found at a frequency of 5.5e-06 in 183095 control chromosomes. The available data on variant occurrences in the general population are insufficient to allow any conclusion about variant significance. To our knowledge, no occurrence of c.59G>A in individuals affected with PHEX-related conditions and no experimental evidence demonstrating its impact on protein function have been reported. No submitters have cited clinical-significance assessments for this variant to ClinVar. Based on the evidence outlined above, the variant was classified as uncertain significance.